The following is an entry in ClinVar:

ClinVar aggregate classification (germline): Likely benign (1 of 4 stars; one submission).

Conditions:
IFT43-related disorder. Also called: IFT43-related condition.

Submission:

PreventionGenetics, part of Exact Sciences
Classification: Likely benign for IFT43-related condition. Last evaluated: 2024-10-14. Review status: criteria provided, single submitter. Criteria: ACMG Guidelines, 2015. Collection method: clinical testing. Allele origin: germline.
Comment: This variant is classified as likely benign based on ACMG/AMP sequence variant interpretation guidelines (Richards et al. 2015 PMID: 25741868, with internal and published modifications).

NM_001102564.3(IFT43):c.393C>A (p.Thr131=)

Gene: IFT43 (intraflagellar transport 43; plus strand). Cytogenetic location: 14q24.3.
Variant type: single nucleotide variant.
Coding change: c.393C>A on transcript NM_001102564.3 (MANE Select); coding-DNA position 393, C replaced by A.
Protein change: p.Thr131=; no amino-acid change (threonine 131 retained).
Molecular consequence: synonymous variant. On other transcripts: non-coding transcript variant (2).
Genome position (GRCh38, 1-based): chr14:76,082,641, C>A. VCF-style: chr14-76082641-C-A. GRCh37 (hg19) VCF-style: chr14-76548984-C-A.
Other names: c.408C>A, p.Thr136= (NM_052873.3).
Identifiers: ClinVar variation 4982375 (VCV004982375.1).